The following is an entry in ClinVar:

ClinVar aggregate classification (germline): Benign/Likely benign. Review status: criteria provided, multiple submitters, no conflicts (2 of 4 stars). 7 submissions from 7 submitters: Benign (4); Likely benign (2). 1 of the submissions does not count toward it. Last evaluated 2024-11-27.

Conditions:
Hypoinsulinemia. Identifiers: MedGen C2748055, HP:0040216.
Maturity-onset diabetes of the young type 10. Identifiers: Orphanet 552, MedGen C3150617, MONDO:0013240, OMIM 613370.

Allele frequency attached by ClinVar (database versions not stated): 1000 Genomes Project 30x 0.12617; 1000 Genomes Project 0.12680; TOPMed 0.16198; gnomAD 0.16480 and 0.16663; gnomAD exomes 0.17278 and 0.20438; ESP Exome Variant Server 0.17816; ExAC 0.18923.
gnomAD v4.1: 322,026 of 1,609,784 alleles (20%); highest among the groups gnomAD compares: Non-Finnish European, 22%; 34,089 homozygotes.

Submissions (7):

Blueprint Genetics
Classification: Benign. Last evaluated: 2024-11-27. Review status: criteria provided, single submitter. Criteria: ACMG Guidelines, 2015. Collection method: clinical testing. Allele origin: germline.

Athena Diagnostics
Classification: Benign. Last evaluated: 2017-08-02. Review status: criteria provided, single submitter. Criteria: Athena Diagnostics Criteria. Collection method: clinical testing. Allele origin: germline.

Illumina Laboratory Services, Illumina
Classification: Likely benign for Maturity-onset diabetes of the young type 10. Last evaluated: 2017-04-27. Review status: criteria provided, single submitter. Criteria: ICSL Variant Classification Criteria 13 December 2019. Collection method: clinical testing. Allele origin: germline.
Comment: This variant was observed as part of a predisposition screen in an ostensibly healthy population. A literature search was performed for the gene, cDNA change, and amino acid change (where applicable). Publications were found based on this search. The evidence from the literature, in combination with allele frequency data from public databases where available, was sufficient to determine this variant is unlikely to cause disease. Therefore, this variant is classified as likely benign.

GeneDx
Classification: Benign. Last evaluated: 2015-03-03. Review status: criteria provided, single submitter. Criteria: GeneDx Variant Classification Process June 2021. Collection method: clinical testing. Allele origin: germline. Affected: yes.
Comment: This variant is associated with the following publications: (PMID: 12610512, 14551916)

Breakthrough Genomics
Classification: Likely benign. Review status: criteria provided, single submitter. Criteria: ACMG Guidelines, 2015. Collection method: not provided. Allele origin: germline. Inheritance: Autosomal dominant inheritance. Affected: yes.

PreventionGenetics, part of Exact Sciences
Classification: Benign. Review status: criteria provided, single submitter. Criteria: ACMG Guidelines, 2015. Collection method: clinical testing. Allele origin: germline.

Clinical Genomics, Uppaluri K&H Personalized Medicine Clinic
Classification: association for Hypoinsulinemia. Review status: no assertion criteria provided. Collection method: research. Allele origin: somatic. Inheritance: Autosomal recessive inheritance. Affected: yes. Not counted in ClinVar's aggregate classification.
Comment: Mutations in this gene can cause early onset diabetes mellitus which is insulin dependent. Poor response to sulfonylureas, as this mutation can cause beta cell destruction.

Literature cited by the submitters: PubMed 12610512 (cited by Illumina Laboratory Services, Illumina); PubMed 33206859 (cited by Clinical Genomics, Uppaluri K&H Personalized Medicine Clinic).

NM_000207.3(INS):c.*9C>T

Genes: INS (insulin; minus strand), INS-IGF2 (INS-IGF2 readthrough; minus strand). Cytogenetic location: 11p15.5.
Variant type: single nucleotide variant.
Coding change: c.*9C>T on transcript NM_000207.3 (MANE Select); 9 bases downstream of the stop codon, C replaced by T.
Molecular consequence: 3 prime UTR variant. On other transcripts: intron variant (1).
Genome position (GRCh38, 1-based): chr11:2,159,843, G>A on the plus strand (C>T on the coding strand, the complement: INS is on the minus strand). VCF-style: chr11-2159843-G-A. GRCh37 (hg19) VCF-style: chr11-2181073-G-A.
Other names: c.*9C>T (NM_001185097.2, NM_001185098.2, NM_001291897.2); c.187+942C>T (NM_001042376.3).
Identifiers: ClinVar variation 255531 (VCV000255531.12), dbSNP rs3842752, ClinGen allele CA5818121.